The following is an entry in ClinVar:

ClinVar aggregate classification (germline): Uncertain significance. Review status: criteria provided, multiple submitters, no conflicts (2 of 4 stars). 2 submissions from 2 submitters: Uncertain significance (2). Last evaluated 2023-10-12.

Conditions:
Hereditary nonpolyposis colorectal neoplasms. Identifiers: MedGen C0009405, MeSH D003123.
Hereditary cancer-predisposing syndrome. Also called: Hereditary neoplastic syndrome; Neoplastic Syndromes, Hereditary; Tumor predisposition; Hereditary Cancer Syndrome. Identifiers: Orphanet 140162, MedGen C0027672, MeSH D009386, MONDO:0015356.

Submissions (2):

Labcorp Genetics (formerly Invitae), Labcorp
Classification: Uncertain significance for Hereditary nonpolyposis colorectal neoplasms. Last evaluated: 2023-10-12. Review status: criteria provided, single submitter. Criteria: Invitae Variant Classification Sherloc (09022015). Collection method: clinical testing. Allele origin: germline.
Comment: This sequence change replaces asparagine, which is neutral and polar, with tyrosine, which is neutral and polar, at codon 683 of the PMS2 protein (p.Asn683Tyr). The frequency data for this variant in the population databases (gnomAD) is considered unreliable due to the presence of homologous sequence, such as pseudogenes or paralogs, in the genome. This variant has not been reported in the literature in individuals affected with PMS2-related conditions. ClinVar contains an entry for this variant (Variation ID: 186068). Advanced modeling of protein sequence and biophysical properties (such as structural, functional, and spatial information, amino acid conservation, physicochemical variation, residue mobility, and thermodynamic stability) performed at Invitae indicates that this missense variant is expected to disrupt PMS2 protein function with a positive predictive value of 80%. In summary, the available evidence is currently insufficient to determine the role of this variant in disease. Therefore, it has been classified as a Variant of Uncertain Significance.

Ambry Genetics
Classification: Uncertain significance for Hereditary cancer-predisposing syndrome. Last evaluated: 2022-10-21. Review status: criteria provided, single submitter. Criteria: Ambry Variant Classification Scheme 2023. Collection method: clinical testing. Allele origin: germline.
Comment: The p.N683Y variant (also known as c.2047A>T), located in coding exon 12 of the PMS2 gene, results from an A to T substitution at nucleotide position 2047. The asparagine at codon 683 is replaced by tyrosine, an amino acid with dissimilar properties. This amino acid position is highly conserved in available vertebrate species. In addition, this alteration is predicted to be deleterious by in silico analysis. Since supporting evidence is limited at this time, the clinical significance of this alteration remains unclear.

NM_000535.7(PMS2):c.2047A>T (p.Asn683Tyr)

Gene: PMS2 (PMS1 homolog 2, mismatch repair system component; minus strand). Cytogenetic location: 7p22.1.
Variant type: single nucleotide variant.
Coding change: c.2047A>T on transcript NM_000535.7 (MANE Select); coding-DNA position 2047, A replaced by T.
Protein change: p.Asn683Tyr; replaces asparagine 683 with tyrosine.
Molecular consequence: missense variant. On other transcripts: non-coding transcript variant (1).
Genome position (GRCh38, 1-based): chr7:5,982,951, T>A on the plus strand (A>T on the coding strand, the complement: PMS2 is on the minus strand). VCF-style: chr7-5982951-T-A. GRCh37 (hg19) VCF-style: chr7-6022582-T-A.
Other names: c.1642A>T, p.Asn548Tyr (NM_001322003.2, NM_001322004.2, NM_001322005.2 and 1 more transcripts); c.1891A>T, p.Asn631Tyr (NM_001322006.2); c.1729A>T, p.Asn577Tyr (NM_001322007.2, NM_001322008.2); c.1486A>T, p.Asn496Tyr (NM_001322010.2); c.1114A>T, p.Asn372Tyr (NM_001322011.2, NM_001322012.2); c.1474A>T, p.Asn492Tyr (NM_001322013.2); c.2047A>T, p.Asn683Tyr (NM_001322014.2); c.1738A>T, p.Asn580Tyr (NM_001322015.2); short protein forms N683Y, N580Y, N372Y, N496Y, N631Y, N492Y, N548Y, N577Y.
Identifiers: ClinVar variation 186068 (VCV000186068.8), dbSNP rs786202668, ClinGen allele CA010745.